The following is an entry in ClinVar:

ClinVar aggregate classification (germline): Pathogenic (1 of 4 stars; one submission).

Conditions:
Heterotopia, periventricular, X-linked dominant (PVNH1). Also called: PERIVENTRICULAR NODULAR HETEROTOPIA 1; PERIVENTRICULAR NODULAR HETEROTOPIA 4; HETEROTOPIA, PERIVENTRICULAR, 1; X-linked periventricular heterotopia. Identifiers: Orphanet 2149, Orphanet 82004, MedGen C1848213, MONDO:0010233, OMIM 300049.

Submission:

Victorian Clinical Genetics Services, Murdoch Childrens Research Institute
Classification: Pathogenic for Heterotopia, periventricular, X-linked dominant. Last evaluated: 2025-01-23. Review status: criteria provided, single submitter. Criteria: ACMG Guidelines, 2015. Collection method: clinical testing. Allele origin: germline. Affected: yes.
Comment: This variant is classified as Pathogenic. Evidence in support of pathogenic classification: Variant is predicted to cause nonsense-mediated decay (NMD) and loss of protein (premature termination codon is located at least 54 nucleotides upstream of the final exon-exon junction); Variant is absent from gnomAD (v2, v3 and v4); Other NMD-predicted variant(s) comparable to the one identified in this case have very strong previous evidence for pathogenicity (DECIPHER). Additional information: This variant is heterozygous; This gene is associated with both X-linked recessive and dominant disease (OMIM); Loss of function and gain of function are known mechanisms of disease in this gene. Loss of function variants are reported to cause periventricular nodular heterotopia, X-linked cardiac valvular dystrophy and gastrointestinal diseases, whereas gain of function missense variants and small in-frame deletions lead to the otopalatodigital spectrum of disease. X-linked cardiac valvular dystrophy is caused by mostly missense or splice variants in filamin repeats 1, 4, 5, 6 and 7 (PMID: 30089473).

Literature cited by the submitters: PubMed 30089473.

NM_001110556.2(FLNA):c.1621G>T (p.Glu541Ter)

Gene: FLNA (filamin A; minus strand). Cytogenetic location: Xq28.
Variant type: single nucleotide variant.
Coding change: c.1621G>T on transcript NM_001110556.2 (MANE Select); coding-DNA position 1621, G replaced by T.
Protein change: p.Glu541Ter; replaces glutamic acid 541 with a stop codon.
Molecular consequence: nonsense.
Genome position (GRCh38, 1-based): chrX:154,365,206, C>A on the plus strand (G>T on the coding strand, the complement: FLNA is on the minus strand). VCF-style: chrX-154365206-C-A. GRCh37 (hg19) VCF-style: chrX-153593574-C-A.
Other names: c.1621G>T, p.Glu541Ter (NM_001456.4); short protein forms E541*.
Identifiers: ClinVar variation 4532175 (VCV004532175.1).
Genomic context (GRCh38, chrX:154,365,206, plus strand): 5'-TGTTCTGACCACCCCACGTGATGGTGACGATATAGGTTCCAGGGACCATGGGGTAATACT[C>A]GAAGCCATACACGCCATCCCCCAGGTCCTTCTGCTTCACGCGCTCCTCTCCCTCTGCCAA-3'